The following is an entry in ClinVar:

ClinVar aggregate classification (germline): Uncertain significance. Review status: criteria provided, multiple submitters, no conflicts (2 of 4 stars). 3 submissions from 3 submitters: Uncertain significance (3). Last evaluated 2023-12-01.

Conditions:
Familial isolated arrhythmogenic right ventricular dysplasia. Identifiers: Orphanet 217656, MedGen C4274968, MONDO:0016342.
Arrhythmogenic right ventricular dysplasia 11. Also called: ARRHYTHMOGENIC RIGHT VENTRICULAR DYSPLASIA, FAMILIAL, 11; Arrhythmogenic Right Ventricular Dysplasia/Cardiomyopathy11; Arrhythmogenic right ventricular dysplasia 11 with mild palmoplantar keratoderma and woolly hair. Identifiers: MedGen C1864850, MONDO:0012506, OMIM 610476.

Submissions (3):

All of Us Research Program, National Institutes of Health
Classification: Uncertain significance for Familial isolated arrhythmogenic right ventricular dysplasia. Last evaluated: 2023-12-01. Review status: criteria provided, single submitter. Criteria: ACMG Guidelines, 2015. Collection method: clinical testing. Allele origin: germline. Inheritance: Autosomal dominant inheritance. Observed: 2 variant alleles, 2 heterozygotes.
Comment: This missense variant replaces glutamine with arginine at codon 554 of the DSC2 protein. Computational prediction suggests that this variant may not impact protein structure and function (internally defined REVEL score threshold <= 0.5, PMID: 27666373). To our knowledge, functional studies have not been reported for this variant. This variant has not been reported in individuals affected with DSC2-related disorders in the literature. This variant has not been identified in the general population by the Genome Aggregation Database (gnomAD). The available evidence is insufficient to determine the role of this variant in disease conclusively. Therefore, this variant is classified as a Variant of Uncertain Significance.

This study involves interpretation of variants in research participants for the purpose of population health screening. Participant phenotype was not available at the time of variant classification. Additional details can be found in publication PMID: 35346344, PMCID: PMC8962531

Labcorp Genetics (formerly Invitae), Labcorp
Classification: Uncertain significance for Arrhythmogenic right ventricular dysplasia 11. Last evaluated: 2021-01-16. Review status: criteria provided, single submitter. Criteria: Invitae Variant Classification Sherloc (09022015). Collection method: clinical testing. Allele origin: germline.
Comment: This sequence change replaces glutamine with arginine at codon 554 of the DSC2 protein (p.Gln554Arg). The glutamine residue is weakly conserved and there is a small physicochemical difference between glutamine and arginine. This variant is not present in population databases (ExAC no frequency). This variant has not been reported in the literature in individuals with DSC2-related conditions. ClinVar contains an entry for this variant (Variation ID: 892532). Algorithms developed to predict the effect of missense changes on protein structure and function output the following: SIFT: "Tolerated"; PolyPhen-2: "Benign"; Align-GVGD: "Class C0". The arginine amino acid residue is found in multiple mammalian species, suggesting that this missense change does not adversely affect protein function. These predictions have not been confirmed by published functional studies and their clinical significance is uncertain. In summary, the available evidence is currently insufficient to determine the role of this variant in disease. Therefore, it has been classified as a Variant of Uncertain Significance.

Illumina Laboratory Services, Illumina
Classification: Uncertain significance for Arrhythmogenic right ventricular dysplasia 11. Last evaluated: 2017-04-27. Review status: criteria provided, single submitter. Criteria: ICSL Variant Classification Criteria 13 December 2019. Collection method: clinical testing. Allele origin: germline.

NM_024422.6(DSC2):c.1661A>G (p.Gln554Arg)

Gene: DSC2 (desmocollin 2; minus strand). Cytogenetic location: 18q12.1.
Variant type: single nucleotide variant.
Coding change: c.1661A>G on transcript NM_024422.6 (MANE Select); coding-DNA position 1661, A replaced by G.
Protein change: p.Gln554Arg; replaces glutamine 554 with arginine.
Molecular consequence: missense variant.
Genome position (GRCh38, 1-based): chr18:31,079,849, T>C on the plus strand (A>G on the coding strand, the complement: DSC2 is on the minus strand). VCF-style: chr18-31079849-T-C. GRCh37 (hg19) VCF-style: chr18-28659815-T-C.
Other names: c.1661A>G, p.Gln554Arg (NM_004949.5); short protein forms Q554R.
Identifiers: ClinVar variation 892532 (VCV000892532.12), dbSNP rs1987145211, ClinGen allele CA402107683.